The following is an entry in ClinVar:

ClinVar aggregate classification (germline): Uncertain significance (1 of 4 stars; one submission).

Submission:

Labcorp Genetics (formerly Invitae), Labcorp
Classification: Uncertain significance. Last evaluated: 2022-08-16. Review status: criteria provided, single submitter. Criteria: Invitae Variant Classification Sherloc (09022015). Collection method: clinical testing. Allele origin: germline.
Comment: ClinVar contains an entry for this variant (Variation ID: 1361269). In summary, the available evidence is currently insufficient to determine the role of this variant in disease. Therefore, it has been classified as a Variant of Uncertain Significance. Algorithms developed to predict the effect of missense changes on protein structure and function (SIFT, PolyPhen-2, Align-GVGD) all suggest that this variant is likely to be tolerated. This variant has not been reported in the literature in individuals affected with LCA5-related conditions. This variant is not present in population databases (gnomAD no frequency). This sequence change replaces valine, which is neutral and non-polar, with glutamic acid, which is acidic and polar, at codon 81 of the LCA5 protein (p.Val81Glu).

NM_001122769.3(LCA5):c.242T>A (p.Val81Glu)

Gene: LCA5 (lebercilin LCA5; minus strand). Cytogenetic location: 6q14.1.
Variant type: single nucleotide variant.
Coding change: c.242T>A on transcript NM_001122769.3 (MANE Select); coding-DNA position 242, T replaced by A.
Protein change: p.Val81Glu; replaces valine 81 with glutamic acid.
Molecular consequence: missense variant.
Genome position (GRCh38, 1-based): chr6:79,513,690, A>T on the plus strand (T>A on the coding strand, the complement: LCA5 is on the minus strand). VCF-style: chr6-79513690-A-T. GRCh37 (hg19) VCF-style: chr6-80223407-A-T.
Other names: c.242T>A, p.Val81Glu (NM_181714.4); short protein forms V81E.
Identifiers: ClinVar variation 1361269 (VCV001361269.8), dbSNP rs751051900, ClinGen allele CA364629828.